The following is an entry in ClinVar:

NM_000059.4(BRCA2):c.10040T>C (p.Ile3347Thr)

Gene: BRCA2 (BRCA2 DNA repair associated; plus strand). Cytogenetic location: 13q13.1.
Variant type: single nucleotide variant.
Coding change: c.10040T>C on transcript NM_000059.4 (MANE Select); coding-DNA position 10040, T replaced by C.
Protein change: p.Ile3347Thr; replaces isoleucine 3347 with threonine.
Molecular consequence: missense variant.
Genome position (GRCh38, 1-based): chr13:32,398,553, T>C. VCF-style: chr13-32398553-T-C. GRCh37 (hg19) VCF-style: chr13-32972690-T-C.
Other names: short protein forms I3347T.
Identifiers: ClinVar variation 142308 (VCV000142308.15), dbSNP rs587782373, ClinGen allele CA010089.
Genomic context (GRCh38, chr13:32,398,553, plus strand): 5'-AATTCAATGAAATTTCTCTTTTGGAAAGTAATTCAATAGCTGACGAAGAACTTGCATTGA[T>C]AAATACCCAAGCTCTTTTGTCTGGTTCAACAGGAGAAAAACAATTTATATCTGTCAGTGA-3'
Protein context (NP_000050.3, residues 3337-3357): NSIADEELAL[Ile3347Thr]NTQALLSGST

ClinVar aggregate classification (germline): Uncertain significance. Review status: criteria provided, multiple submitters, no conflicts (2 of 4 stars). 3 submissions from 3 submitters: Uncertain significance (3). Last evaluated 2025-10-23.

Conditions:
Hereditary cancer-predisposing syndrome. Also called: Neoplastic Syndromes, Hereditary; Tumor predisposition; Hereditary Cancer Syndrome; Hereditary neoplastic syndrome. Identifiers: Orphanet 140162, MedGen C0027672, MeSH D009386, MONDO:0015356.
Hereditary breast ovarian cancer syndrome. Also called: Breast and ovarian cancer; Hereditary breast and ovarian cancer; Hereditary breast and/or ovarian cancer syndrome; BRCA1- and BRCA2-Associated Hereditary Breast and Ovarian Cancer; Hereditary breast and ovarian cancer syndrome; Hereditary breast and ovarian cancer syndrome (HBOC). Identifiers: Orphanet 145, MedGen C0677776, MeSH D061325, MONDO:0003582. Disease mechanism: loss of function.

Allele frequency attached by ClinVar (database versions not stated): gnomAD exomes below 0.00001; TOPMed below 0.00001; gnomAD 0.00001.
gnomAD v4.1: 3 of 1,614,076 alleles (0.00019%); highest among the groups gnomAD compares: Non-Finnish European, 0.00025%; no homozygotes.

Submissions (3):

Ambry Genetics
Classification: Uncertain significance for Hereditary cancer-predisposing syndrome. Last evaluated: 2025-10-23. Review status: criteria provided, single submitter. Criteria: Ambry Variant Classification Scheme 2023. Collection method: clinical testing. Allele origin: germline.
Comment: The p.I3347T variant (also known as c.10040T>C), located in coding exon 26 of the BRCA2 gene, results from a T to C substitution at nucleotide position 10040. The isoleucine at codon 3347 is replaced by threonine, an amino acid with similar properties. This amino acid position is well conserved in available vertebrate species. In addition, this alteration is predicted to be tolerated by in silico analysis. Since supporting evidence is limited at this time, the clinical significance of this alteration remains unclear.

Quest Diagnostics Nichols Institute San Juan Capistrano
Classification: Uncertain significance. Last evaluated: 2025-09-10. Review status: criteria provided, single submitter. Criteria: Quest Diagnostics criteria. Collection method: clinical testing. Allele origin: unknown.
Comment: The BRCA2 c.10040T>C (p.Ile3347Thr) variant has been reported in the published literature in individuals with breast and/or ovarian cancer (PMID: 32438681 (2020), 31336956 (2019)). This variant has also been identified in a reportedly unaffected individual (PMID: 33471991 (2021), see also LOVD). The frequency of this variant in the general population (Genome Aggregation Database) is uninformative in the assessment of its pathogenicity. Analysis of this variant using bioinformatics tools for the prediction of the effect of amino acid changes on protein structure and function yielded predictions that this variant is damaging. Based on the available information, we are unable to determine the clinical significance of this variant.

Labcorp Genetics (formerly Invitae), Labcorp
Classification: Uncertain significance for Hereditary breast ovarian cancer syndrome. Last evaluated: 2024-07-30. Review status: criteria provided, single submitter. Criteria: Invitae Variant Classification Sherloc (09022015). Collection method: clinical testing. Allele origin: germline.
Comment: This sequence change replaces isoleucine, which is neutral and non-polar, with threonine, which is neutral and polar, at codon 3347 of the BRCA2 protein (p.Ile3347Thr). This variant is not present in population databases (gnomAD no frequency). This missense change has been observed in individual(s) with breast and/or ovarian cancer (PMID: 31336956, 32438681). ClinVar contains an entry for this variant (Variation ID: 142308). Advanced modeling of protein sequence and biophysical properties (such as structural, functional, and spatial information, amino acid conservation, physicochemical variation, residue mobility, and thermodynamic stability) performed at Invitae indicates that this missense variant is not expected to disrupt BRCA2 protein function with a negative predictive value of 95%. In summary, the available evidence is currently insufficient to determine the role of this variant in disease. Therefore, it has been classified as a Variant of Uncertain Significance.

Literature cited by the submitters: PubMed 31336956 (cited by 3 submitters); PubMed 32438681 (cited by Quest Diagnostics Nichols Institute San Juan Capistrano and Labcorp Genetics (formerly Invitae), Labcorp); PubMed 33471991 (cited by Quest Diagnostics Nichols Institute San Juan Capistrano).